The following is an entry in ClinVar:

ClinVar aggregate classification (germline): Benign. Review status: criteria provided, multiple submitters, no conflicts (2 of 4 stars). 2 submissions from 2 submitters: Benign (2). Last evaluated 2026-09-01.

Allele frequency attached by ClinVar (database versions not stated): gnomAD 0.00638 and 0.00648; TOPMed 0.00642; ExAC 0.00795; gnomAD exomes 0.00923 and 0.00560; 1000 Genomes Project 0.00300; 1000 Genomes Project 30x 0.00328; ESP Exome Variant Server 0.00612.

Submissions (2):

CeGaT Center for Human Genetics Tuebingen
Classification: Benign. Last evaluated: 2026-09-01. Review status: criteria provided, single submitter. Criteria: CeGaT Center For Human Genetics Tuebingen Variant Classification Criteria Version 2. Collection method: clinical testing. Allele origin: germline. Affected: yes. Observed: 17 variant alleles.
Comment: SLC1A4: BS1, BS2

Labcorp Genetics (formerly Invitae), Labcorp
Classification: Benign. Last evaluated: 2026-01-31. Review status: criteria provided, single submitter. Criteria: Invitae Variant Classification Sherloc (09022015). Collection method: clinical testing. Allele origin: germline.

NM_003038.5(SLC1A4):c.40G>A (p.Ala14Thr)

Gene: SLC1A4 (solute carrier family 1 member 4; plus strand). Cytogenetic location: 2p14.
Variant type: single nucleotide variant.
Coding change: c.40G>A on transcript NM_003038.5 (MANE Select); coding-DNA position 40, G replaced by A.
Protein change: p.Ala14Thr; replaces alanine 14 with threonine.
Molecular consequence: missense variant. On other transcripts: intron variant (3).
Genome position (GRCh38, 1-based): chr2:64,989,683, G>A. VCF-style: chr2-64989683-G-A. GRCh37 (hg19) VCF-style: chr2-65216817-G-A.
Other names: c.-134+1063G>A (NM_001348406.2, NM_001193493.2); c.-134+1129G>A (NM_001348407.2); short protein forms A14T.
Identifiers: ClinVar variation 444499 (VCV000444499.48), dbSNP rs149636167, ClinGen allele CA1685816.